The following is an entry in ClinVar:

ClinVar aggregate classification (germline): Likely benign. Review status: criteria provided, multiple submitters, no conflicts (2 of 4 stars). 2 submissions from 2 submitters: Likely benign (2). Last evaluated 2024-03-16.

Allele frequency attached by ClinVar (database versions not stated): gnomAD exomes below 0.00001.
gnomAD v4.1: 1 of 1,614,206 alleles (0.000062%); highest among the groups gnomAD compares: Non-Finnish European, 0.000085%; no homozygotes.

Submissions (2):

Labcorp Genetics (formerly Invitae), Labcorp
Classification: Likely benign. Last evaluated: 2024-03-16. Review status: criteria provided, single submitter. Criteria: Invitae Variant Classification Sherloc (09022015). Collection method: clinical testing. Allele origin: germline.

GeneDx
Classification: Likely benign. Last evaluated: 2016-12-08. Review status: criteria provided, single submitter. Criteria: GeneDx Variant Classification (06012015). Collection method: clinical testing. Allele origin: germline. Affected: yes.
Comment: This variant is considered likely benign or benign based on one or more of the following criteria: it is a conservative change, it occurs at a poorly conserved position in the protein, it is predicted to be benign by multiple in silico algorithms, and/or has population frequency not consistent with disease.

NM_006231.4(POLE):c.3159C>T (p.Ser1053=)

Gene: POLE (DNA polymerase epsilon, catalytic subunit; minus strand). Cytogenetic location: 12q24.33.
Variant type: single nucleotide variant.
Coding change: c.3159C>T on transcript NM_006231.4 (MANE Select); coding-DNA position 3159, C replaced by T.
Protein change: p.Ser1053=; no amino-acid change (serine 1053 retained).
Molecular consequence: synonymous variant.
Genome position (GRCh38, 1-based): chr12:132,659,411, G>A on the plus strand (C>T on the coding strand, the complement: POLE is on the minus strand). VCF-style: chr12-132659411-G-A. GRCh37 (hg19) VCF-style: chr12-133235997-G-A.
Identifiers: ClinVar variation 391678 (VCV000391678.3), dbSNP rs1057524186, ClinGen allele CA16606525.